The following is an entry in ClinVar:

NM_000075.4(CDK4):c.219-17G>A

Gene: CDK4 (cyclin dependent kinase 4; minus strand). Cytogenetic location: 12q14.1.
Variant type: single nucleotide variant.
Coding change: c.219-17G>A on transcript NM_000075.4 (MANE Select); 17 bases into the intron before coding-DNA position 219, G replaced by A.
Molecular consequence: intron variant.
Genome position (GRCh38, 1-based): chr12:57,751,359, C>T on the plus strand (G>A on the coding strand, the complement: CDK4 is on the minus strand). VCF-style: chr12-57751359-C-T. GRCh37 (hg19) VCF-style: chr12-58145142-C-T.
Identifiers: ClinVar variation 1670335 (VCV001670335.10), dbSNP rs767249235, ClinGen allele CA6657861.
Genomic context (GRCh38, chr12:57,751,359, plus strand): 5'-TGATCTCCCGGTCAGTTCGGGATGTGGCACAGACGTCCATCAGCCTGACCAGAGTAAATG[C>T]TCACTTTTCAATCCCCTTTAACCCAACATGGCCTCTCATTATTTCCTCAGGGTCCCCACT-3'

ClinVar aggregate classification (germline): Likely benign. Review status: criteria provided, multiple submitters, no conflicts (2 of 4 stars). 2 submissions from 2 submitters: Likely benign (2). Last evaluated 2025-09-28.

Conditions:
Familial melanoma. Also called: Hereditary melanoma; Hereditary cutaneous melanoma. Identifiers: Orphanet 618, MedGen C1512419, MONDO:0018961.
Melanoma, cutaneous malignant, susceptibility to, 3. Also called: Cutaneous malignant melanoma 3. Identifiers: Orphanet 618, MedGen C1836892, MONDO:0012183, OMIM 609048.

Allele frequency attached by ClinVar (database versions not stated): ExAC 0.00002.
gnomAD v4.1: 40 of 1,614,016 alleles (0.0025%); highest among the groups gnomAD compares: South Asian, 0.043%; 2 homozygotes.

Submissions (2):

Labcorp Genetics (formerly Invitae), Labcorp
Classification: Likely benign for Familial melanoma. Last evaluated: 2025-09-28. Review status: criteria provided, single submitter. Criteria: Invitae Variant Classification Sherloc (09022015). Collection method: clinical testing. Allele origin: germline.

Myriad Genetics, Inc.
Classification: Likely benign for Melanoma, cutaneous malignant, susceptibility to, 3. Last evaluated: 2024-09-25. Review status: criteria provided, single submitter. Criteria: Myriad Autosomal Dominant, Autosomal Recessive and X-Linked Classification Criteria (2023). Collection method: clinical testing. Allele origin: unknown.
Comment: This variant is considered likely benign. This variant is intronic and is not expected to impact mRNA splicing.